The following is an entry in ClinVar:

NM_001127222.2(CACNA1A):c.6595C>T (p.Arg2199Trp)

Gene: CACNA1A (calcium voltage-gated channel subunit alpha1 A; minus strand). Cytogenetic location: 19p13.13.
Variant type: single nucleotide variant.
Coding change: c.6595C>T on transcript NM_001127222.2 (MANE Select); coding-DNA position 6595, C replaced by T.
Protein change: p.Arg2199Trp; replaces arginine 2199 with tryptophan.
Molecular consequence: missense variant.
Genome position (GRCh38, 1-based): chr19:13,208,941, G>A on the plus strand (C>T on the coding strand, the complement: CACNA1A is on the minus strand). VCF-style: chr19-13208941-G-A. GRCh37 (hg19) VCF-style: chr19-13319755-G-A.
Other names: c.6613C>T, p.Arg2205Trp (NM_000068.4, NM_023035.3); c.6598C>T, p.Arg2200Trp (NM_001127221.2); c.6604C>T, p.Arg2202Trp (NM_001174080.2); short protein forms R2200W, R2199W, R2205W, R2202W.
Identifiers: ClinVar variation 546431 (VCV000546431.8), dbSNP rs1477386827, ClinGen allele CA404330552.
Genomic context (GRCh38, chr19:13,208,941, plus strand): 5'-GGTGGTGGTGGTGGTGGTGGTGGTGGTGCTGTCGATGCTTCCGATCCTTGGGCCGGCCCC[G>A]CTCCTGGTCCCGCTCCTTCGACGGCAGGTCCCCGGATTGGGTGGTCATGCTCAGGTCTGT-3'
Protein context (NP_001120694.1, residues 2189-2209): DLPSKERDQE[Arg2199Trp]GRPKDRKHRQ

ClinVar aggregate classification (germline): Uncertain significance. Review status: criteria provided, multiple submitters, no conflicts (2 of 4 stars). 2 submissions from 2 submitters: Uncertain significance (2). Last evaluated 2025-11-06.

Conditions:
Episodic ataxia type 2 (EA2). Also called: EPISODIC ATAXIA, NYSTAGMUS-ASSOCIATED; ATAXIA, EPISODIC, WITH NYSTAGMUS; ATAXIA, FAMILIAL PAROXYSMAL; CEREBELLAR ATAXIA, PAROXYSMAL, ACETAZOLAMIDE-RESPONSIVE; CEREBELLOPATHY, HEREDITARY PAROXYSMAL; ACETAZOLAMIDE-RESPONSIVE HEREDITARY PAROXYSMAL CEREBELLAR ATAXIA. Identifiers: Orphanet 97, MedGen C1720416, MONDO:0007163, OMIM 108500.
Developmental and epileptic encephalopathy, 42 (DEE42A). Also called: Epileptic encephalopathy, early infantile, 42; DEVELOPMENTAL AND EPILEPTIC ENCEPHALOPATHY 42A; EPILEPTIC ENCEPHALOPATHY, EARLY INFANTILE, 42A. Identifiers: MedGen C4310716, MONDO:0014917, OMIM 617106.

Allele frequency attached by ClinVar (database versions not stated): gnomAD 0.00001; gnomAD exomes 0.00001 and 0.00002; TOPMed 0.00002.
gnomAD v4.1: 21 of 1,536,590 alleles (0.0014%); highest among the groups gnomAD compares: Middle Eastern, 0.017%; no homozygotes.

Submissions (2):

Labcorp Genetics (formerly Invitae), Labcorp
Classification: Uncertain significance for Developmental and epileptic encephalopathy, 42; Episodic ataxia type 2. Last evaluated: 2025-11-06. Review status: criteria provided, single submitter. Criteria: Invitae Variant Classification Sherloc (09022015). Collection method: clinical testing. Allele origin: germline.
Comment: This sequence change replaces arginine, which is basic and polar, with tryptophan, which is neutral and slightly polar, at codon 2200 of the CACNA1A protein (p.Arg2200Trp). The frequency data for this variant in the population databases is considered unreliable, as metrics indicate poor data quality at this position in the gnomAD database. This variant has not been reported in the literature in individuals affected with CACNA1A-related conditions. ClinVar contains an entry for this variant (Variation ID: 546431). Invitae Evidence Modeling of protein sequence and biophysical properties (such as structural, functional, and spatial information, amino acid conservation, physicochemical variation, residue mobility, and thermodynamic stability) has been performed for this missense variant. However, the output from this modeling did not meet the statistical confidence thresholds required to predict the impact of this variant on CACNA1A protein function. In summary, the available evidence is currently insufficient to determine the role of this variant in disease. Therefore, it has been classified as a Variant of Uncertain Significance.

GeneDx
Classification: Uncertain significance. Last evaluated: 2022-04-22. Review status: criteria provided, single submitter. Criteria: GeneDx Variant Classification Process June 2021. Collection method: clinical testing. Allele origin: germline. Affected: yes.
Comment: In silico analysis supports that this missense variant has a deleterious effect on protein structure/function; Has not been previously published as pathogenic or benign to our knowledge